The following is an entry in ClinVar:

ClinVar aggregate classification (germline): Uncertain significance. Review status: criteria provided, multiple submitters, no conflicts (2 of 4 stars). 3 submissions from 3 submitters: Uncertain significance (3). Last evaluated 2024-05-06.

Conditions:
DICER1-related tumor predisposition. Also called: DICER1-related pleuropulmonary blastoma cancer predisposition syndrome; DICER1 syndrome. Identifiers: Orphanet 284343, MedGen C3839822, MONDO:0100216.
Hereditary cancer-predisposing syndrome. Also called: Hereditary neoplastic syndrome; Neoplastic Syndromes, Hereditary; Tumor predisposition; Hereditary Cancer Syndrome. Identifiers: Orphanet 140162, MedGen C0027672, MeSH D009386, MONDO:0015356.

Allele frequency attached by ClinVar (database versions not stated): gnomAD exomes below 0.00001 and 0.00002; ExAC 0.00002; 1000 Genomes Project 30x 0.00031; 1000 Genomes Project 0.00040.
gnomAD v4.1: 8 of 1,614,114 alleles (0.0005%); highest among the groups gnomAD compares: South Asian, 0.0077%; no homozygotes.

Submissions (3):

Labcorp Genetics (formerly Invitae), Labcorp
Classification: Uncertain significance for DICER1-related tumor predisposition. Last evaluated: 2024-05-06. Review status: criteria provided, single submitter. Criteria: Invitae Variant Classification Sherloc (09022015). Collection method: clinical testing. Allele origin: germline.
Comment: This sequence change replaces proline, which is neutral and non-polar, with serine, which is neutral and polar, at codon 613 of the DICER1 protein (p.Pro613Ser). This variant is present in population databases (rs201553563, gnomAD 0.01%). This variant has not been reported in the literature in individuals affected with DICER1-related conditions. ClinVar contains an entry for this variant (Variation ID: 412073). Advanced modeling of protein sequence and biophysical properties (such as structural, functional, and spatial information, amino acid conservation, physicochemical variation, residue mobility, and thermodynamic stability) performed at Invitae indicates that this missense variant is not expected to disrupt DICER1 protein function with a negative predictive value of 80%. In summary, the available evidence is currently insufficient to determine the role of this variant in disease. Therefore, it has been classified as a Variant of Uncertain Significance.

Ambry Genetics
Classification: Uncertain significance for Hereditary cancer-predisposing syndrome. Last evaluated: 2023-10-19. Review status: criteria provided, single submitter. Criteria: Ambry Variant Classification Scheme 2023. Collection method: clinical testing. Allele origin: germline.
Comment: The p.P613S variant (also known as c.1837C>T), located in coding exon 10 of the DICER1 gene, results from a C to T substitution at nucleotide position 1837. The proline at codon 613 is replaced by serine, an amino acid with similar properties. This amino acid position is conserved. In addition, this alteration is predicted to be tolerated by in silico analysis. Since supporting evidence is limited at this time, the clinical significance of this alteration remains unclear.

Sema4
Classification: Uncertain significance for Hereditary cancer-predisposing syndrome. Last evaluated: 2022-01-14. Review status: criteria provided, single submitter. Criteria: Sema4 Curation Guidelines. Collection method: curation. Allele origin: germline.
Comment: The DICER1 c.1837C>T (p.P613S) variant has not been reported in the literature to our knowledge. It was observed in 3/30616 chromosomes of the South Asian subpopulation in the large and broad cohorts of the Genome Aggregation Database (PMID: 32461654). The variant has been reported in ClinVar (Variation ID 412073). Functional studies have not been performed, and in silico predictions of the variant's effect on protein function are inconclusive. The evidence is insufficient to meet ACMG/AMP criteria for classifying the variant as benign or pathogenic. Thus, the clinical significance of this variant is currently uncertain.

NM_177438.3(DICER1):c.1837C>T (p.Pro613Ser)

Gene: DICER1 (dicer 1, ribonuclease III; minus strand). Cytogenetic location: 14q32.13.
Variant type: single nucleotide variant.
Coding change: c.1837C>T on transcript NM_177438.3 (MANE Select); coding-DNA position 1837, C replaced by T.
Protein change: p.Pro613Ser; replaces proline 613 with serine.
Molecular consequence: missense variant.
Genome position (GRCh38, 1-based): chr14:95,115,737, G>A on the plus strand (C>T on the coding strand, the complement: DICER1 is on the minus strand). VCF-style: chr14-95115737-G-A. GRCh37 (hg19) VCF-style: chr14-95582074-G-A.
Other names: c.1837C>T, p.Pro613Ser (NM_001195573.1, NM_001271282.3, NM_001291628.2 and 1 more transcripts); short protein forms P613S.
Identifiers: ClinVar variation 412073 (VCV000412073.11), dbSNP rs201553563, ClinGen allele CA7331388.